The following is an entry in ClinVar:

ClinVar aggregate classification (germline): Likely benign. Review status: reviewed by expert panel (3 of 4 stars). 2 submissions from 2 submitters: Likely benign (1). 1 of the submissions does not count toward it. Last evaluated 2017-06-29.

Conditions:
Hereditary breast ovarian cancer syndrome. Also called: Hereditary breast and ovarian cancer; Hereditary breast and ovarian cancer syndrome (HBOC); Hereditary breast and/or ovarian cancer syndrome; Breast and ovarian cancer; Hereditary breast and ovarian cancer syndrome; BRCA1- and BRCA2-Associated Hereditary Breast and Ovarian Cancer. Identifiers: Orphanet 145, MedGen C0677776, MeSH D061325, MONDO:0003582. Disease mechanism: loss of function.
Breast-ovarian cancer, familial, susceptibility to, 2 (BROVCA2). Also called: BRCA2 Hereditary Breast and Ovarian Cancer. Identifiers: Orphanet 145, MedGen C2675520, MONDO:0012933, OMIM 612555. Disease mechanism: loss of function.

gnomAD v4.1: 1 of 1,613,748 alleles (0.000062%); no homozygotes.

Submissions (2):

Evidence-based Network for the Interpretation of Germline Mutant Alleles (ENIGMA)
Classification: Likely benign for Breast-ovarian cancer, familial, susceptibility to, 2. Last evaluated: 2017-06-29. Review status: reviewed by expert panel. Criteria: ENIGMA BRCA1/2 Classification Criteria (2017-06-29). Collection method: curation. Allele origin: germline.
Comment: Synonymous substitution variant, with low bioinformatic likelihood to result in a splicing aberration (Splicing prior probability 0.02).

Labcorp Genetics (formerly Invitae), Labcorp
Classification: Likely benign for Hereditary breast ovarian cancer syndrome. Last evaluated: 2023-12-14. Review status: criteria provided, single submitter. Criteria: Invitae Variant Classification Sherloc (09022015). Collection method: clinical testing. Allele origin: germline. Not counted in ClinVar's aggregate classification.

NM_000059.4(BRCA2):c.4530C>G (p.Pro1510=)

Gene: BRCA2 (BRCA2 DNA repair associated; plus strand). Cytogenetic location: 13q13.1.
Variant type: single nucleotide variant.
Coding change: c.4530C>G on transcript NM_000059.4 (MANE Select); coding-DNA position 4530, C replaced by G.
Protein change: p.Pro1510=; no amino-acid change (proline 1510 retained).
Molecular consequence: synonymous variant.
Genome position (GRCh38, 1-based): chr13:32,338,885, C>G. VCF-style: chr13-32338885-C-G. GRCh37 (hg19) VCF-style: chr13-32913022-C-G.
Identifiers: ClinVar variation 415663 (VCV000415663.11), dbSNP rs757731214, ClinGen allele CA6940789.
Genomic context (GRCh38, chr13:32,338,885, plus strand): 5'-ACTGAAAGAAAGTGTCCCAGTTGGTACTGGAAATCAACTAGTGACCTTCCAGGGACAACC[C>G]GAACGTGATGAAAAGATCAAAGAACCTACTCTATTGGGTTTTCATACAGCTAGCGGGAAA-3'
Protein context (NP_000050.3, residues 1500-1520): GNQLVTFQGQ[Pro1510=]ERDEKIKEPT